The following is an entry in ClinVar:

NM_004082.5(DCTN1):c.991C>T (p.Arg331Trp)

Gene: DCTN1 (dynactin subunit 1; minus strand). Cytogenetic location: 2p13.1.
Variant type: single nucleotide variant.
Coding change: c.991C>T on transcript NM_004082.5 (MANE Select); coding-DNA position 991, C replaced by T.
Protein change: p.Arg331Trp; replaces arginine 331 with tryptophan.
Molecular consequence: missense variant. On other transcripts: non-coding transcript variant (1).
Genome position (GRCh38, 1-based): chr2:74,370,678, G>A on the plus strand (C>T on the coding strand, the complement: DCTN1 is on the minus strand). VCF-style: chr2-74370678-G-A. GRCh37 (hg19) VCF-style: chr2-74597805-G-A.
Other names: c.931C>T, p.Arg311Trp (NM_001135040.3); c.589C>T, p.Arg197Trp (NM_001135041.3, NM_023019.4); c.880C>T, p.Arg294Trp (NM_001190836.2); c.970C>T, p.Arg324Trp (NM_001190837.2); c.940C>T, p.Arg314Trp (NM_001378991.1); c.922C>T, p.Arg308Trp (NM_001378992.1); short protein forms R197W, R294W, R331W, R311W, R324W, R308W, R314W.
Identifiers: ClinVar variation 425208 (VCV000425208.53), dbSNP rs1064797256, ClinGen allele CA16621754.
Genomic context (GRCh38, chr2:74,370,678, plus strand): 5'-TACCCTTCTCTTCAATCTCAGCCTTGAGGATCTCTAAGTCAGTAGTGAGCTCGTCCACCC[G>A]CTCCTTCAGTGCCTCCACCTCCTGCTGCAGGGACTCAGCCCGCTCTTCAGCCATCTCCTT-3'
Protein context (NP_004073.2, residues 321-341): LQQEVEALKE[Arg331Trp]VDELTTDLEI

ClinVar aggregate classification (germline): Uncertain significance. Review status: criteria provided, multiple submitters, no conflicts (2 of 4 stars). 3 submissions from 3 submitters: Uncertain significance (3). Last evaluated 2023-12-01.

Conditions:
Amyotrophic lateral sclerosis type 1 (ALS1). Also called: AMYOTROPHIC LATERAL SCLEROSIS 1, FAMILIAL. Identifiers: Orphanet 803, MedGen C1862939, MONDO:0007103, OMIM 105400.
Neuronopathy, distal hereditary motor, type 7B. Also called: Distal Hereditary Motor Neuronopathy Type 7B (dHMN7B); LOWER MOTOR NEURON DISEASE, DYNACTIN TYPE; NEURONOPATHY, DISTAL HEREDITARY MOTOR, AUTOSOMAL DOMINANT 14; NEURONOPATHY, DISTAL HEREDITARY MOTOR, HARDING TYPE VIIB; NEUROPATHY, DISTAL HEREDITARY MOTOR, HARDING TYPE VIIB; NEUROPATHY, DISTAL HEREDITARY MOTOR, WITH VOCAL CORD PARALYSIS, HARDING TYPE VIIB. Identifiers: Orphanet 139589, MedGen C1843315, MONDO:0011879, OMIM 607641.
Perry syndrome. Also called: PARKINSONISM WITH ALVEOLAR HYPOVENTILATION AND MENTAL DEPRESSION. Identifiers: Orphanet 178509, MedGen C1868594, MONDO:0008201, OMIM 168605.

Allele frequency attached by ClinVar (database versions not stated): TOPMed below 0.00001.
gnomAD v4.1: 27 of 1,613,928 alleles (0.0017%); highest among the groups gnomAD compares: Middle Eastern, 0.016%; no homozygotes.

Submissions (4):

Labcorp Genetics (formerly Invitae), Labcorp
Classification: Uncertain significance for Amyotrophic lateral sclerosis type 1; Neuronopathy, distal hereditary motor, type 7B; Perry syndrome. Last evaluated: 2023-12-01. Review status: criteria provided, single submitter. Criteria: Invitae Variant Classification Sherloc (09022015). Collection method: clinical testing. Allele origin: germline.
Comment: This sequence change replaces arginine, which is basic and polar, with tryptophan, which is neutral and slightly polar, at codon 331 of the DCTN1 protein (p.Arg331Trp). This variant is not present in population databases (gnomAD no frequency). This variant has not been reported in the literature in individuals affected with DCTN1-related conditions. ClinVar contains an entry for this variant (Variation ID: 425208). Advanced modeling of protein sequence and biophysical properties (such as structural, functional, and spatial information, amino acid conservation, physicochemical variation, residue mobility, and thermodynamic stability) performed at Invitae indicates that this missense variant is expected to disrupt DCTN1 protein function with a positive predictive value of 80%. In summary, the available evidence is currently insufficient to determine the role of this variant in disease. Therefore, it has been classified as a Variant of Uncertain Significance.

Blueprint Genetics
Classification: Uncertain significance. Last evaluated: 2019-12-10. Review status: criteria provided, single submitter. Criteria: ACMG Guidelines, 2015. Collection method: clinical testing. Allele origin: germline.

CeGaT Center for Human Genetics Tuebingen
Classification: Uncertain significance. Last evaluated: 2017-01-01. Review status: criteria provided, single submitter. Criteria: CeGaT Center For Human Genetics Tuebingen Variant Classification Criteria Version 2. Collection method: clinical testing. Allele origin: germline. Affected: yes. Observed: 1 variant allele.

Dr. Peter K. Rogan Lab, Western University
No classification provided (evidence only). Condition: Malignant tumor of esophagus. Review status: no classification provided. Collection method: in vitro. Allele origin: not applicable. Functional consequence: retained intron. Not counted in ClinVar's aggregate classification.